The following is an entry in ClinVar:

ClinVar aggregate classification (germline): Uncertain significance (1 of 4 stars; one submission).

Allele frequency attached by ClinVar (database versions not stated): gnomAD 0.00001.
gnomAD v4.1: 3 of 1,469,288 alleles (0.0002%); highest among the groups gnomAD compares: Non-Finnish European, 0.00027%; no homozygotes.

Submission:

Labcorp Genetics (formerly Invitae), Labcorp
Classification: Uncertain significance. Last evaluated: 2021-01-30. Review status: criteria provided, single submitter. Criteria: Invitae Variant Classification Sherloc (09022015). Collection method: clinical testing. Allele origin: germline.
Comment: In summary, the available evidence is currently insufficient to determine the role of this variant in disease. Therefore, it has been classified as a Variant of Uncertain Significance. Algorithms developed to predict the effect of missense changes on protein structure and function (SIFT, PolyPhen-2, Align-GVGD) all suggest that this variant is likely to be tolerated, but these predictions have not been confirmed by published functional studies and their clinical significance is uncertain. This variant has not been reported in the literature in individuals with ABHD12-related conditions. The frequency data for this variant in the population databases is considered unreliable, as metrics indicate insufficient coverage at this position in the ExAC database. This sequence change replaces alanine with proline at codon 53 of the ABHD12 protein (p.Ala53Pro). The alanine residue is moderately conserved and there is a small physicochemical difference between alanine and proline.

NM_001042472.3(ABHD12):c.157G>C (p.Ala53Pro)

Genes: ABHD12 (abhydrolase domain containing 12, lysophospholipase; minus strand), LOC130065586 (ATAC-STARR-seq lymphoblastoid silent region 12752; plus strand). Cytogenetic location: 20p11.21.
Variant type: single nucleotide variant.
Coding change: c.157G>C on transcript NM_001042472.3 (MANE Select); coding-DNA position 157, G replaced by C.
Protein change: p.Ala53Pro; replaces alanine 53 with proline.
Molecular consequence: missense variant.
Genome position (GRCh38, 1-based): chr20:25,390,547, C>G on the plus strand (G>C on the coding strand, the complement: ABHD12 is on the minus strand). VCF-style: chr20-25390547-C-G. GRCh37 (hg19) VCF-style: chr20-25371183-C-G.
Other names: c.157G>C, p.Ala53Pro (NM_015600.5); short protein forms A53P.
Identifiers: ClinVar variation 1406051 (VCV001406051.8), dbSNP rs754403503, ClinGen allele CA408445080.